The following is an entry in ClinVar:

NM_004385.5(VCAN):c.261A>C (p.Gln87His)

Gene: VCAN (versican; plus strand). Cytogenetic location: 5q14.2.
Variant type: single nucleotide variant.
Coding change: c.261A>C on transcript NM_004385.5 (MANE Select); coding-DNA position 261, A replaced by C.
Protein change: p.Gln87His; replaces glutamine 87 with histidine.
Molecular consequence: missense variant.
Genome position (GRCh38, 1-based): chr5:83,490,288, A>C. VCF-style: chr5-83490288-A-C. GRCh37 (hg19) VCF-style: chr5-82786107-A-C.
Other names: c.261A>C, p.Gln87His (NM_001126336.3, NM_001164097.2, NM_001164098.2); short protein forms Q87H.
Identifiers: ClinVar variation 1015935 (VCV001015935.8), dbSNP rs1200887405, ClinGen allele CA360295482.

ClinVar aggregate classification (germline): Uncertain significance (1 of 4 stars; one submission).

Allele frequency attached by ClinVar (database versions not stated): gnomAD exomes below 0.00001 and 0.00001.
gnomAD v4.1: 3 of 1,614,208 alleles (0.00019%); highest among the groups gnomAD compares: Admixed American, 0.005%; no homozygotes.

Submission:

Labcorp Genetics (formerly Invitae), Labcorp
Classification: Uncertain significance. Last evaluated: 2023-11-13. Review status: criteria provided, single submitter. Criteria: Invitae Variant Classification Sherloc (09022015). Collection method: clinical testing. Allele origin: germline.
Comment: This sequence change replaces glutamine, which is neutral and polar, with histidine, which is basic and polar, at codon 87 of the VCAN protein (p.Gln87His). This variant is present in population databases (no rsID available, gnomAD 0.003%). This variant has not been reported in the literature in individuals affected with VCAN-related conditions. ClinVar contains an entry for this variant (Variation ID: 1015935). An algorithm developed to predict the effect of missense changes on protein structure and function (PolyPhen-2) suggests that this variant is likely to be tolerated. In summary, the available evidence is currently insufficient to determine the role of this variant in disease. Therefore, it has been classified as a Variant of Uncertain Significance.